The following is an entry in ClinVar:

ClinVar aggregate classification (germline): Uncertain significance (1 of 4 stars; one submission).

Conditions:
DICER1-related tumor predisposition. Also called: DICER1-related pleuropulmonary blastoma cancer predisposition syndrome; DICER1 syndrome. Identifiers: Orphanet 284343, MedGen C3839822, MONDO:0100216.

Submission:

Labcorp Genetics (formerly Invitae), Labcorp
Classification: Uncertain significance for DICER1-related tumor predisposition. Last evaluated: 2023-07-14. Review status: criteria provided, single submitter. Criteria: Invitae Variant Classification Sherloc (09022015). Collection method: clinical testing. Allele origin: germline.
Comment: This variant is not present in population databases (gnomAD no frequency). In summary, the available evidence is currently insufficient to determine the role of this variant in disease. Therefore, it has been classified as a Variant of Uncertain Significance. Advanced modeling of protein sequence and biophysical properties (such as structural, functional, and spatial information, amino acid conservation, physicochemical variation, residue mobility, and thermodynamic stability) performed at Invitae indicates that this missense variant is not expected to disrupt DICER1 protein function. This variant has not been reported in the literature in individuals affected with DICER1-related conditions. This sequence change replaces glutamic acid, which is acidic and polar, with aspartic acid, which is acidic and polar, at codon 273 of the DICER1 protein (p.Glu273Asp).

NM_177438.3(DICER1):c.819A>T (p.Glu273Asp)

Gene: DICER1 (dicer 1, ribonuclease III; minus strand). Cytogenetic location: 14q32.13.
Variant type: single nucleotide variant.
Coding change: c.819A>T on transcript NM_177438.3 (MANE Select); coding-DNA position 819, A replaced by T.
Protein change: p.Glu273Asp; replaces glutamic acid 273 with aspartic acid.
Molecular consequence: missense variant. On other transcripts: non-coding transcript variant (6), 5 prime UTR variant (1).
Genome position (GRCh38, 1-based): chr14:95,126,664, T>A on the plus strand (A>T on the coding strand, the complement: DICER1 is on the minus strand). VCF-style: chr14-95126664-T-A. GRCh37 (hg19) VCF-style: chr14-95593001-T-A.
Other names: c.819A>T, p.Glu273Asp (NM_001195573.1, NM_001271282.3, NM_001291628.2 and 15 more transcripts); c.537A>T, p.Glu179Asp (NM_001395686.1); c.414A>T, p.Glu138Asp (NM_001395687.1, NM_001395688.1, NM_001395689.1 and 3 more transcripts); c.252A>T, p.Glu84Asp (NM_001395691.1); c.-750A>T (NM_001395697.1); short protein forms E138D, E179D, E273D, E84D.
Identifiers: ClinVar variation 2756680 (VCV002756680.3), dbSNP rs2543229871, ClinGen allele CA390887650.